The following is an entry in ClinVar:

ClinVar aggregate classification (germline): Pathogenic (1 of 4 stars; one submission).

Conditions:
Nemaline myopathy 2 (NEM2). Also called: Nemaline myopathy 2, autosomal recessive. Identifiers: MedGen C1850569, MONDO:0009725, OMIM 256030.

Submission:

Labcorp Genetics (formerly Invitae), Labcorp
Classification: Pathogenic for Nemaline myopathy 2. Last evaluated: 2023-01-07. Review status: criteria provided, single submitter. Criteria: Invitae Variant Classification Sherloc (09022015). Collection method: clinical testing. Allele origin: germline.
Comment: For these reasons, this variant has been classified as Pathogenic. Algorithms developed to predict the effect of sequence changes on RNA splicing suggest that this variant may disrupt the consensus splice site. Disruption of this splice site has been observed in individual(s) with lethal multiple pterygium syndrome and/or nemaline myopathy (PMID: 25740301, 28336317). This variant is not present in population databases (gnomAD no frequency). This sequence change affects a splice site in intron 73 of the NEB gene. It is expected to disrupt RNA splicing. Variants that disrupt the donor or acceptor splice site typically lead to a loss of protein function (PMID: 16199547), and loss-of-function variants in NEB are known to be pathogenic (PMID: 25205138).

Literature cited by the submitters: PubMed 25740301; PubMed 28336317; PubMed 16199547; PubMed 25205138.

NM_001164508.2(NEB):c.10872+1del

Gene: NEB (nebulin; minus strand). Cytogenetic location: 2q23.3.
Variant type: Deletion.
Coding change: c.10872+1del on transcript NM_001164508.2 (MANE Select); the canonical splice donor site of the intron after coding-DNA position 10872, one base deleted (G; older notation c.10872+1delG).
Molecular consequence: splice donor variant.
Genome position (GRCh38, 1-based): chr2:151,619,450, C deleted on the plus strand (G on the coding strand, the reverse complement: NEB is on the minus strand). VCF-style (leftmost placement, unchanged base first): chr2-151619449-AC-A. GRCh37 (hg19) VCF-style: chr2-152475963-AC-A.
Other names: c.10143+1del (NM_004543.5); c.10872+1del (NM_001164507.2, NM_001271208.2).
Identifiers: ClinVar variation 2826871 (VCV002826871.3), dbSNP rs2552232690, ClinGen allele CA2739271441.